The following is an entry in ClinVar:

NM_053025.4(MYLK):c.3319G>A (p.Val1107Ile)

Gene: MYLK (myosin light chain kinase; minus strand). Cytogenetic location: 3q21.1.
Variant type: single nucleotide variant.
Coding change: c.3319G>A on transcript NM_053025.4 (MANE Select); coding-DNA position 3319, G replaced by A.
Protein change: p.Val1107Ile; replaces valine 1107 with isoleucine.
Molecular consequence: missense variant.
Genome position (GRCh38, 1-based): chr3:123,700,149, C>T on the plus strand (G>A on the coding strand, the complement: MYLK is on the minus strand). VCF-style: chr3-123700149-C-T. GRCh37 (hg19) VCF-style: chr3-123418996-C-T.
Other names: c.2791G>A, p.Val931Ile (NM_001321309.2); c.3112G>A, p.Val1038Ile (NM_053026.4, NM_053028.4); c.3319G>A, p.Val1107Ile (NM_053027.4); short protein forms V1038I, V1107I, V931I.
Identifiers: ClinVar variation 1730166 (VCV001730166.4), dbSNP rs779251437, ClinGen allele CA069557.

ClinVar aggregate classification (germline): Uncertain significance. Review status: criteria provided, multiple submitters, no conflicts (2 of 4 stars). 2 submissions from 2 submitters: Uncertain significance (2). Last evaluated 2024-03-20.

Conditions:
Familial thoracic aortic aneurysm and aortic dissection (TAAD). Also called: Thoracic aortic aneurysms and dissections. Identifiers: Orphanet 91387, MedGen C4707243, MONDO:0019625.
Aortic aneurysm, familial thoracic 7 (AAT7). Also called: AORTIC DISSECTION, FAMILIAL, WITH OR WITHOUT AORTIC ANEURYSM. Identifiers: MedGen C3151077, MONDO:0013418, OMIM 613780.

Allele frequency attached by ClinVar (database versions not stated): gnomAD exomes below 0.00001; ExAC 0.00001; gnomAD 0.00001.
gnomAD v4.1: 3 of 1,613,842 alleles (0.00019%); highest among the groups gnomAD compares: Non-Finnish European, 0.00025%; no homozygotes.

Submissions (2):

Labcorp Genetics (formerly Invitae), Labcorp
Classification: Uncertain significance for Aortic aneurysm, familial thoracic 7. Last evaluated: 2024-03-20. Review status: criteria provided, single submitter. Criteria: Invitae Variant Classification Sherloc (09022015). Collection method: clinical testing. Allele origin: germline.
Comment: This sequence change replaces valine, which is neutral and non-polar, with isoleucine, which is neutral and non-polar, at codon 1107 of the MYLK protein (p.Val1107Ile). This variant is present in population databases (rs779251437, gnomAD 0.003%). This variant has not been reported in the literature in individuals affected with MYLK-related conditions. ClinVar contains an entry for this variant (Variation ID: 1730166). Advanced modeling of protein sequence and biophysical properties (such as structural, functional, and spatial information, amino acid conservation, physicochemical variation, residue mobility, and thermodynamic stability) performed at Invitae indicates that this missense variant is not expected to disrupt MYLK protein function with a negative predictive value of 80%. In summary, the available evidence is currently insufficient to determine the role of this variant in disease. Therefore, it has been classified as a Variant of Uncertain Significance.

Ambry Genetics
Classification: Uncertain significance for Familial thoracic aortic aneurysm and aortic dissection. Last evaluated: 2022-04-29. Review status: criteria provided, single submitter. Criteria: Ambry Variant Classification Scheme 2023. Collection method: clinical testing. Allele origin: germline.
Comment: The p.V1107I variant (also known as c.3319G>A), located in coding exon 15 of the MYLK gene, results from a G to A substitution at nucleotide position 3319. The valine at codon 1107 is replaced by isoleucine, an amino acid with highly similar properties. This amino acid position is conserved. In addition, this alteration is predicted to be tolerated by in silico analysis. Since supporting evidence is limited at this time, the clinical significance of this alteration remains unclear.